The following is an entry in ClinVar:

NM_018127.7(ELAC2):c.2109-6_2111del

Gene: ELAC2 (elaC ribonuclease Z 2; minus strand). Cytogenetic location: 17p12.
Variant type: Deletion.
Coding change: c.2109-6_2111del on transcript NM_018127.7 (MANE Select); 6 bases into the intron before coding-DNA position 2109 through coding-DNA position 2111, 9 bases deleted (CTGCAGCAC; older notation c.2109-6_2111delCTGCAGCAC).
Molecular consequence: splice acceptor variant.
Genome position (GRCh38, 1-based): chr17:12,993,829-12,993,837, GTGCTGCAG deleted on the plus strand (CTGCAGCAC on the coding strand, the reverse complement: ELAC2 is on the minus strand); deleting any 9 consecutive bases within chr17:12,993,829-12,993,840 gives the same sequence; the c. name uses the placement nearest the transcript's 3' end. VCF-style (leftmost placement, unchanged base first): chr17-12993828-TGTGCTGCAG-T. GRCh37 (hg19) VCF-style: chr17-12897145-TGTGCTGCAG-T.
Other names: c.1989-6_1991del (NM_001165962.2); c.2106-6_2108del (NM_173717.2).
Identifiers: ClinVar variation 2041575 (VCV002041575.4), dbSNP rs2508212815, ClinGen allele CA2580092570.

ClinVar aggregate classification (germline): Likely pathogenic (1 of 4 stars; one submission).

Conditions:
Combined oxidative phosphorylation defect type 17. Also called: Combined oxidative phosphorylation deficiency 17. Identifiers: Orphanet 369913, MedGen C3809526, MONDO:0014190, OMIM 615440.

Submission:

Labcorp Genetics (formerly Invitae), Labcorp
Classification: Likely pathogenic for Combined oxidative phosphorylation defect type 17. Last evaluated: 2024-06-04. Review status: criteria provided, single submitter. Criteria: Invitae Variant Classification Sherloc (09022015). Collection method: clinical testing. Allele origin: germline.
Comment: This variant results in the deletion of part of exon 23 (c.2109-6_2111del) of the ELAC2 gene. It is expected to disrupt RNA splicing. Variants that disrupt the donor or acceptor splice site typically lead to a loss of protein function (PMID: 16199547), and loss-of-function variants in ELAC2 are known to be pathogenic (PMID: 27769300, 31045291). This variant is not present in population databases (gnomAD no frequency). This variant has not been reported in the literature in individuals affected with ELAC2-related conditions. ClinVar contains an entry for this variant (Variation ID: 2041575). In summary, the currently available evidence indicates that the variant is pathogenic, but additional data are needed to prove that conclusively. Therefore, this variant has been classified as Likely Pathogenic.

Literature cited by the submitters: PubMed 16199547; PubMed 27769300; PubMed 31045291.